The following is an entry in ClinVar:

ClinVar aggregate classification (germline): Uncertain significance (1 of 4 stars; one submission).

Allele frequency attached by ClinVar (database versions not stated): TOPMed below 0.00001; ExAC 0.00001.
gnomAD v4.1: 7 of 1,613,880 alleles (0.00043%); highest among the groups gnomAD compares: Admixed American, 0.0067%; no homozygotes.

Submission:

Labcorp Genetics (formerly Invitae), Labcorp
Classification: Uncertain significance. Last evaluated: 2024-10-15. Review status: criteria provided, single submitter. Criteria: Invitae Variant Classification Sherloc (09022015). Collection method: clinical testing. Allele origin: germline.
Comment: This sequence change replaces valine, which is neutral and non-polar, with methionine, which is neutral and non-polar, at codon 305 of the ARMC9 protein (p.Val305Met). This variant is present in population databases (rs748033626, gnomAD 0.003%). This variant has not been reported in the literature in individuals affected with ARMC9-related conditions. ClinVar contains an entry for this variant (Variation ID: 1993817). Experimental studies and prediction algorithms are not available or were not evaluated, and the functional significance of this variant is currently unknown. In summary, the available evidence is currently insufficient to determine the role of this variant in disease. Therefore, it has been classified as a Variant of Uncertain Significance.

NM_001352754.2(ARMC9):c.913G>A (p.Val305Met)

Gene: ARMC9 (armadillo repeat containing 9; plus strand). Cytogenetic location: 2q37.1.
Variant type: single nucleotide variant.
Coding change: c.913G>A on transcript NM_001352754.2 (MANE Select); coding-DNA position 913, G replaced by A.
Protein change: p.Val305Met; replaces valine 305 with methionine.
Molecular consequence: missense variant. On other transcripts: non-coding transcript variant (1).
Genome position (GRCh38, 1-based): chr2:231,256,619, G>A. VCF-style: chr2-231256619-G-A. GRCh37 (hg19) VCF-style: chr2-232121332-G-A.
Other names: c.913G>A, p.Val305Met (NM_001271466.4, NM_001291656.2, NM_001352755.2 and 3 more transcripts); c.814G>A, p.Val272Met (NM_001352757.2, NM_001352758.2); short protein forms V305M, V272M.
Identifiers: ClinVar variation 1993817 (VCV001993817.4), dbSNP rs748033626, ClinGen allele CA2160111.
Genomic context (GRCh38, chr2:231,256,619, plus strand): 5'-TGTTTTCTTCTGTCCTCTTCCCCCCAGGCATCCACCATGTTACGAGCCTCCTTGGCACCC[G>A]TGTAAGTAACTGCTCTTAGGAATTTTTATTAAGGAGAACAGCAATGTGTAAAACGGGAAT-3'
Protein context (NP_001339683.2, residues 295-315): STMLRASLAP[Val305Met]KLKDVPLLPS